The following is an entry in ClinVar:

ClinVar aggregate classification (germline): Likely pathogenic (1 of 4 stars; one submission).

Conditions:
Duchenne muscular dystrophy (DMD). Also called: MUSCULAR DYSTROPHY, PSEUDOHYPERTROPHIC PROGRESSIVE, DUCHENNE TYPE; Duchenne Muscular Dystrophy (DMD). Identifiers: Orphanet 98896, MedGen C0013264, MONDO:0010679, OMIM 310200.

Submission:

Labcorp Genetics (formerly Invitae), Labcorp
Classification: Likely pathogenic for Duchenne muscular dystrophy. Last evaluated: 2019-08-15. Review status: criteria provided, single submitter. Criteria: Invitae Variant Classification Sherloc (09022015). Collection method: clinical testing. Allele origin: germline.
Comment: In summary, the currently available evidence indicates that the variant is pathogenic, but additional data are needed to prove that conclusively. Therefore, this variant has been classified as Likely Pathogenic. Nucleotide substitutions within the consensus splice site are a relatively common cause of aberrant splicing (PMID: 17576681, 9536098). Experimental studies have shown that this variant disrupts mRNA splicing (PMID: 23536893). This variant has been observed in individuals with clinical features of Becker muscular dystrophy (PMID: 23536893, Invitae). This variant is not present in population databases (ExAC no frequency). This sequence change falls in intron 65 of the DMD gene. It does not directly change the encoded amino acid sequence of the DMD protein, but it affects a nucleotide within the consensus splice site of the intron.

Literature cited by the submitters: PubMed 17576681; PubMed 9536098; PubMed 23536893.

NM_004006.3(DMD):c.9563+5G>C

Gene: DMD (dystrophin; minus strand). Cytogenetic location: Xp21.2.
Variant type: single nucleotide variant.
Coding change: c.9563+5G>C on transcript NM_004006.3 (MANE Select); 5 bases into the intron after coding-DNA position 9563, G replaced by C.
Molecular consequence: intron variant.
Genome position (GRCh38, 1-based): chrX:31,209,493, C>G on the plus strand (G>C on the coding strand, the complement: DMD is on the minus strand). VCF-style: chrX-31209493-C-G. GRCh37 (hg19) VCF-style: chrX-31227610-C-G.
Other names: c.9539+5G>C (NM_000109.4); c.5540+5G>C (NM_004011.4); c.5531+5G>C (NM_004012.4); c.2183+5G>C (NM_004023.3, NM_004020.4, NM_004022.3 and 2 more transcripts); c.1376+5G>C (NM_004014.3); c.359+5G>C (NM_004018.3, NM_004017.3, NM_004016.3 and 2 more transcripts); c.9551+5G>C (NM_004009.3); c.9194+5G>C (NM_004010.3).
Identifiers: ClinVar variation 947912 (VCV000947912.8), dbSNP rs764119686, ClinGen allele CA1139667356.